The following is an entry in ClinVar:

NM_000489.6(ATRX):c.2627C>G (p.Ser876Cys)

Gene: ATRX (ATRX chromatin remodeler; minus strand). Cytogenetic location: Xq21.1.
Variant type: single nucleotide variant.
Coding change: c.2627C>G on transcript NM_000489.6 (MANE Select); coding-DNA position 2627, C replaced by G.
Protein change: p.Ser876Cys; replaces serine 876 with cysteine.
Molecular consequence: missense variant.
Genome position (GRCh38, 1-based): chrX:77,682,629, G>C on the plus strand (C>G on the coding strand, the complement: ATRX is on the minus strand). VCF-style: chrX-77682629-G-C. GRCh37 (hg19) VCF-style: chrX-76938121-G-C.
Other names: c.2513C>G, p.Ser838Cys (NM_138270.5); short protein forms S838C, S876C.
Identifiers: ClinVar variation 2418053 (VCV002418053.9), dbSNP rs2071286347, ClinGen allele CA413711296.
Genomic context (GRCh38, chrX:77,682,629, plus strand): 5'-TCAACTGTGCCTTCTGCTGAAGAGAAAGTCTCTCTCTCTTGTTTTCTTTCAGCATCATCA[G>C]ATGATCCTTCTTGTGAGGTCTTCAAATTTTTGTGCCCTTGATTATCCATTCCTTTTTTGC-3'
Protein context (NP_000480.3, residues 866-886): KNLKTSQEGS[Ser876Cys]DDAERKQERE

ClinVar aggregate classification (germline): Uncertain significance. Review status: criteria provided, single submitter (1 of 4 stars). 2 submissions from 2 submitters: Uncertain significance (1). 1 of the submissions does not count toward it. Last evaluated 2022-05-12.

Conditions:
Alpha thalassemia-X-linked intellectual disability syndrome (ATRX). Also called: ALPHA-THALASSEMIA/MENTAL RETARDATION SYNDROME, X-LINKED; ATR, NONDELETION TYPE; ATR-X syndrome; Alpha thalassemia mental retardation syndrome, nondeletion type, X-linked; XLMR hypotonic face syndrome; X-linked alpha-thalassemia-mental retardation syndrome. Identifiers: Orphanet 847, MedGen C1845055, MONDO:0010519, OMIM 301040.

Allele frequency attached by ClinVar (database versions not stated): TOPMed 0.00001.

Submissions (2):

Labcorp Genetics (formerly Invitae), Labcorp
Classification: Uncertain significance for Alpha thalassemia-X-linked intellectual disability syndrome. Last evaluated: 2022-05-12. Review status: criteria provided, single submitter. Criteria: Invitae Variant Classification Sherloc (09022015). Collection method: clinical testing. Allele origin: germline.
Comment: Advanced modeling of protein sequence and biophysical properties (such as structural, functional, and spatial information, amino acid conservation, physicochemical variation, residue mobility, and thermodynamic stability) performed at Invitae indicates that this missense variant is not expected to disrupt ATRX protein function. In summary, the available evidence is currently insufficient to determine the role of this variant in disease. Therefore, it has been classified as a Variant of Uncertain Significance. This variant has not been reported in the literature in individuals affected with ATRX-related conditions. This variant is not present in population databases (gnomAD no frequency). This sequence change replaces serine, which is neutral and polar, with cysteine, which is neutral and slightly polar, at codon 876 of the ATRX protein (p.Ser876Cys).

Natera, Inc.
Classification: Uncertain significance for X-linked alpha-thalassemia-mental retardation syndrome. Last evaluated: 2025-02-26. Review status: no assertion criteria provided. Collection method: clinical testing. Allele origin: germline. Not counted in ClinVar's aggregate classification.